The following is an entry in ClinVar:

NM_004970.3(IGFALS):c.1302G>A (p.Ala434=)

Gene: IGFALS (insulin like growth factor binding protein acid labile subunit; minus strand). Cytogenetic location: 16p13.3.
Variant type: single nucleotide variant.
Coding change: c.1302G>A on transcript NM_004970.3 (MANE Select); coding-DNA position 1302, G replaced by A.
Protein change: p.Ala434=; no amino-acid change (alanine 434 retained).
Molecular consequence: synonymous variant. On other transcripts: non-coding transcript variant (1).
Genome position (GRCh38, 1-based): chr16:1,791,116, C>T on the plus strand (G>A on the coding strand, the complement: IGFALS is on the minus strand). VCF-style: chr16-1791116-C-T. GRCh37 (hg19) VCF-style: chr16-1841117-C-T.
Other names: c.1416G>A, p.Ala472= (NM_001146006.2).
Identifiers: ClinVar variation 4533798 (VCV004533798.6).

ClinVar aggregate classification (germline): Likely benign (1 of 4 stars; one submission).

gnomAD v4.1: 68 of 1,602,422 alleles (0.0042%); highest among the groups gnomAD compares: East Asian, 0.0067%; no homozygotes.

Submission:

CeGaT Center for Human Genetics Tuebingen
Classification: Likely benign. Last evaluated: 2025-11-01. Review status: criteria provided, single submitter. Criteria: CeGaT Center For Human Genetics Tuebingen Variant Classification Criteria Version 2. Collection method: clinical testing. Allele origin: germline. Affected: yes. Observed: 1 variant allele.
Comment: IGFALS: BP4, BP7